The following is an entry in ClinVar:

ClinVar aggregate classification (germline): Conflicting classifications of pathogenicity. Review status: criteria provided, conflicting classifications (1 of 4 stars). 2 submissions from 2 submitters: Likely pathogenic (1); Uncertain significance (1). Last evaluated 2022-08-16.

Conditions:
Neurodegeneration with brain iron accumulation 5 (NBIA5). Also called: Beta-propeller protein-associated neurodegeneration; STATIC ENCEPHALOPATHY OF CHILDHOOD WITH NEURODEGENERATION IN ADULTHOOD. Identifiers: Orphanet 329284, MedGen C3550973, MONDO:0010476, OMIM 300894.

Submissions (2):

Labcorp Genetics (formerly Invitae), Labcorp
Classification: Uncertain significance for Neurodegeneration with brain iron accumulation 5. Last evaluated: 2022-08-16. Review status: criteria provided, single submitter. Criteria: Invitae Variant Classification Sherloc (09022015). Collection method: clinical testing. Allele origin: germline.
Comment: This variant has not been reported in the literature in individuals affected with WDR45-related conditions. This variant is not present in population databases (gnomAD no frequency). This sequence change falls in intron 7 of the WDR45 gene. It does not directly change the encoded amino acid sequence of the WDR45 protein. It affects a nucleotide within the consensus splice site. ClinVar contains an entry for this variant (Variation ID: 1198666). Variants that disrupt the consensus splice site are a relatively common cause of aberrant splicing (PMID: 17576681, 9536098). Algorithms developed to predict the effect of sequence changes on RNA splicing suggest that this variant may disrupt the consensus splice site. In summary, the available evidence is currently insufficient to determine the role of this variant in disease. Therefore, it has been classified as a Variant of Uncertain Significance.

GeneDx
Classification: Likely pathogenic. Last evaluated: 2020-08-05. Review status: criteria provided, single submitter. Criteria: GeneDx Variant Classification Process June 2021. Collection method: clinical testing. Allele origin: germline. Affected: yes.
Comment: Has not been previously published as pathogenic or benign to our knowledge; Intronic +5 splice site variant in a gene for which loss-of-function is a known mechanism of disease, and both splice predictors and evolutionary conservation support a deleterious effect, although in the absence of functional evidence the actual effect of this sequence change is unknown; Not observed in large population cohorts (Lek et al., 2016)

Literature cited by the submitters: PubMed 17576681 (cited by Labcorp Genetics (formerly Invitae), Labcorp); PubMed 9536098 (cited by Labcorp Genetics (formerly Invitae), Labcorp).

NM_001029896.2(WDR45):c.436+5G>C

Gene: WDR45 (WD repeat domain 45; minus strand). Cytogenetic location: Xp11.23.
Variant type: single nucleotide variant.
Coding change: c.436+5G>C on transcript NM_001029896.2 (MANE Select); 5 bases into the intron after coding-DNA position 436, G replaced by C.
Molecular consequence: intron variant.
Genome position (GRCh38, 1-based): chrX:49,076,425, C>G on the plus strand (G>C on the coding strand, the complement: WDR45 is on the minus strand). VCF-style: chrX-49076425-C-G. GRCh37 (hg19) VCF-style: chrX-48934084-C-G.
Other names: c.439+5G>C (NM_007075.4).
Identifiers: ClinVar variation 1198666 (VCV001198666.7), dbSNP rs1057521933, ClinGen allele CA2499226758.